The following is an entry in ClinVar:

ClinVar aggregate classification (germline): Conflicting classifications of pathogenicity. Review status: criteria provided, conflicting classifications (1 of 4 stars). 5 submissions from 5 submitters: Pathogenic (1); Likely pathogenic (2); Uncertain significance (1). 1 of the submissions does not count toward it. Last evaluated 2024-10-04.

Conditions:
PSEN1-related disorder. Also called: PSEN1-related condition.
Alzheimer disease 3 (AD3). Also called: ALZHEIMER DISEASE, FAMILIAL, 3. Identifiers: Orphanet 1020, MedGen C1843013, MONDO:0011913, OMIM 607822.

Submissions (5):

Women's Health and Genetics/Laboratory Corporation of America, LabCorp
Classification: Pathogenic for Alzheimer disease 3. Last evaluated: 2024-10-04. Review status: criteria provided, single submitter. Criteria: LabCorp Variant Classification Summary - May 2015. Collection method: clinical testing. Allele origin: germline.
Comment: Variant summary: PSEN1 c.703C>G (p.Leu235Val) results in a conservative amino acid change in the encoded protein sequence. Three of five in-silico tools predict a damaging effect of the variant on protein function. The variant was absent in 251482 control chromosomes (gnomAD). c.703C>G has been reported in the literature in multiple individuals affected with Alzheimer Disease, Type 3 (Ryan_2016, Ryan_2015, Janssen_2003). These data indicate that the variant is very likely to be associated with disease. At least one publication reports experimental evidence evaluating an impact on protein function. The most pronounced variant effect results in reduced production of both beta-amyloid peptides, Abeta43 and Abeta40 in vivo (Sun_2017). The following publications have been ascertained in the context of this evaluation (PMID: 12552037, 16116115, 27777022, 26410308, 27930341). ClinVar contains an entry for this variant (Variation ID: 98070). Based on the evidence outlined above, the variant was classified as pathogenic.

ARUP Laboratories, Molecular Genetics and Genomics, ARUP Laboratories
Classification: Likely pathogenic. Last evaluated: 2023-10-12. Review status: criteria provided, single submitter. Criteria: ARUP Molecular Germline Variant Investigation Process 2024. Collection method: clinical testing. Allele origin: germline.
Comment: The PSEN1 c.703C>G; p.Leu235Val variant (rs63751130) is reported in a family with four members affected with early-onset Alzheimer's disease but it is unclear how many individuals were tested for the variant (Ryan 2016). This variant has also been reported in two affected individuals (for which DNA was available for testing) from an additional family with six affected family members across three generations (Janssen 2003). This variant is reported in ClinVar (Variation ID: 98070). It is absent from the Genome Aggregation Database, indicating it is not a common polymorphism. Computational analyses predict that this variant is deleterious (REVEL: 0.881). Additionally, other variants at this codon (p.Leu235Pro, p.Leu235Arg, p.Leu235dup) have been reported in individuals with early-onset Alzheimer's disease (Antonell 2011, Campion 1996, Liang 2023). Based on available information, the p.Leu235Val variant is considered to be likely pathogenic. References: Antonell A et al. A novel PSEN1 gene mutation (L235R) associated with familial early-onset Alzheimer's disease. Neurosci Lett. 2011 May 27;496(1):40-2. PMID: 21501661. Campion D et al. A novel presenilin 1 mutation resulting in familial Alzheimer's disease with an onset age of 29 years. Neuroreport. 1996 Jul 8;7(10):1582-4. PMID: 8904759. Janssen JC et al. Early onset familial Alzheimer's disease: Mutation frequency in 31 families. Neurology. 2003 Jan 28;60(2):235-9. PMID: 12552037. Liang Z et al. Clinical and genetic characteristics in a central-southern Chinese cohort of early-onset Alzheimer's disease. Front Neurol. 2023 Mar 27;14:1119326. PMID: 37051054. Ryan NS et al. Clinical phenotype and genetic associations in autosomal dominant familial Alzheimer's disease: a case series. Lancet Neurol. 2016 Dec;15(13):1326-1335. PMID: 27777022.

Blueprint Genetics
Classification: Likely pathogenic for PSEN1-related disorders. Last evaluated: 2023-08-30. Review status: criteria provided, single submitter. Criteria: ACMG Guidelines, 2015. Collection method: clinical testing. Allele origin: germline. Affected: yes. Observed: 1 variant allele.

Athena Diagnostics
Classification: Uncertain significance. Last evaluated: 2018-08-29. Review status: criteria provided, single submitter. Criteria: Athena Diagnostics Criteria. Collection method: clinical testing. Allele origin: germline.

VIB  Department of Molecular Genetics, University of Antwerp
No classification provided. Review status: no classification provided. Collection method: not provided. Allele origin: not provided. Not counted in ClinVar's aggregate classification.

Literature cited by the submitters: PubMed 27777022 (cited by Women's Health and Genetics/Laboratory Corporation of America, LabCorp and Athena Diagnostics); PubMed 27930341 (cited by Women's Health and Genetics/Laboratory Corporation of America, LabCorp and Athena Diagnostics); PubMed 12552037 (cited by Women's Health and Genetics/Laboratory Corporation of America, LabCorp and Athena Diagnostics); PubMed 16116115 (cited by Women's Health and Genetics/Laboratory Corporation of America, LabCorp and Athena Diagnostics); PubMed 26410308 (cited by Women's Health and Genetics/Laboratory Corporation of America, LabCorp); PubMed 23085935 (cited by Athena Diagnostics); PubMed 14966176 (cited by Athena Diagnostics); PubMed 21373759 (cited by Athena Diagnostics); PubMed 18376127 (cited by Athena Diagnostics); PubMed 17522104 (cited by Athena Diagnostics); PubMed 26888304 (cited by Athena Diagnostics); PubMed 19917987 (cited by Athena Diagnostics); PubMed 29494861 (cited by Athena Diagnostics); PubMed 22460587 (cited by Athena Diagnostics).

NM_000021.4(PSEN1):c.703C>G (p.Leu235Val)

Gene: PSEN1 (presenilin 1; plus strand). Cytogenetic location: 14q24.2.
Variant type: single nucleotide variant.
Coding change: c.703C>G on transcript NM_000021.4 (MANE Select); coding-DNA position 703, C replaced by G.
Protein change: p.Leu235Val; replaces leucine 235 with valine.
Molecular consequence: missense variant.
Genome position (GRCh38, 1-based): chr14:73,192,798, C>G. VCF-style: chr14-73192798-C-G. GRCh37 (hg19) VCF-style: chr14-73659506-C-G.
Other names: c.691C>G, p.Leu231Val (NM_007318.3); short protein forms L235V, L231V.
Identifiers: ClinVar variation 98070 (VCV000098070.5), dbSNP rs63751130, ClinGen allele CA225096.